The following is an entry in ClinVar:

NM_000836.4(GRIN2D):c.2278G>A (p.Ala760Thr)

Gene: GRIN2D (glutamate ionotropic receptor NMDA type subunit 2D; plus strand). Cytogenetic location: 19q13.33.
Variant type: single nucleotide variant.
Coding change: c.2278G>A on transcript NM_000836.4 (MANE Select); coding-DNA position 2278, G replaced by A.
Protein change: p.Ala760Thr; replaces alanine 760 with threonine.
Molecular consequence: missense variant.
Genome position (GRCh38, 1-based): chr19:48,441,794, G>A. VCF-style: chr19-48441794-G-A. GRCh37 (hg19) VCF-style: chr19-48945051-G-A.
Other names: short protein forms A760T.
Identifiers: ClinVar variation 3777686 (VCV003777686.2).

ClinVar aggregate classification (germline): Uncertain significance. Review status: criteria provided, multiple submitters, no conflicts (2 of 4 stars). 2 submissions from 2 submitters: Uncertain significance (2). Last evaluated 2026-09-01.

Submissions (2):

CeGaT Center for Human Genetics Tuebingen
Classification: Uncertain significance. Last evaluated: 2026-09-01. Review status: criteria provided, single submitter. Criteria: CeGaT Center For Human Genetics Tuebingen Variant Classification Criteria Version 2. Collection method: clinical testing. Allele origin: germline. Affected: yes. Observed: 2 variant alleles.
Comment: GRIN2D: PM2

GeneDx
Classification: Uncertain significance. Last evaluated: 2024-10-13. Review status: criteria provided, single submitter. Criteria: GeneDx Variant Classification Process June 2021. Collection method: clinical testing. Allele origin: germline. Affected: yes.
Comment: Not observed at significant frequency in large population cohorts (gnomAD); In silico analysis supports that this missense variant has a deleterious effect on protein structure/function; Has not been previously published as pathogenic or benign to our knowledge